The following is an entry in ClinVar:

ClinVar aggregate classification (germline): Uncertain significance (1 of 4 stars; one submission).

Allele frequency attached by ClinVar (database versions not stated): gnomAD 0.00001; ExAC 0.00002.
gnomAD v4.1: 10 of 1,591,538 alleles (0.00063%); highest among the groups gnomAD compares: African/African-American, 0.0013%; no homozygotes.

Submission:

Labcorp Genetics (formerly Invitae), Labcorp
Classification: Uncertain significance. Last evaluated: 2026-01-05. Review status: criteria provided, single submitter. Criteria: Invitae Variant Classification Sherloc (09022015). Collection method: clinical testing. Allele origin: germline.
Comment: This sequence change replaces arginine, which is basic and polar, with histidine, which is basic and polar, at codon 659 of the ITPR1 protein (p.Arg659His). This variant is not present in population databases (gnomAD no frequency). This variant has not been reported in the literature in individuals affected with ITPR1-related conditions. ClinVar contains an entry for this variant (Variation ID: 2193289). An algorithm developed to predict the effect of missense changes on protein structure and function (PolyPhen-2) suggests that this variant is likely to be tolerated. In summary, the available evidence is currently insufficient to determine the role of this variant in disease. Therefore, it has been classified as a Variant of Uncertain Significance.

NM_001378452.1(ITPR1):c.2021G>A (p.Arg674His)

Gene: ITPR1 (inositol 1,4,5-trisphosphate receptor type 1; plus strand). Cytogenetic location: 3p26.1.
Variant type: single nucleotide variant.
Coding change: c.2021G>A on transcript NM_001378452.1 (MANE Select); coding-DNA position 2021, G replaced by A.
Protein change: p.Arg674His; replaces arginine 674 with histidine.
Molecular consequence: missense variant.
Genome position (GRCh38, 1-based): chr3:4,670,743, G>A. VCF-style: chr3-4670743-G-A. GRCh37 (hg19) VCF-style: chr3-4712427-G-A.
Other names: c.2021G>A, p.Arg674His (NM_001099952.4); c.1976G>A, p.Arg659His (NM_001168272.2, NM_002222.7); short protein forms R674H, R659H.
Identifiers: ClinVar variation 2193289 (VCV002193289.4), dbSNP rs754506271, ClinGen allele CA2231332.